The following is an entry in ClinVar:

NM_139319.3(SLC17A8):c.129A>C (p.Glu43Asp)

Gene: SLC17A8 (solute carrier family 17 member 8; plus strand). Cytogenetic location: 12q23.1.
Variant type: single nucleotide variant.
Coding change: c.129A>C on transcript NM_139319.3 (MANE Select); coding-DNA position 129, A replaced by C.
Protein change: p.Glu43Asp; replaces glutamic acid 43 with aspartic acid.
Molecular consequence: missense variant.
Genome position (GRCh38, 1-based): chr12:100,380,728, A>C. VCF-style: chr12-100380728-A-C. GRCh37 (hg19) VCF-style: chr12-100774506-A-C.
Other names: c.129A>C, p.Glu43Asp (NM_001145288.2); short protein forms E43D.
Identifiers: ClinVar variation 3719201 (VCV003719201.2).
Genomic context (GRCh38, chr12:100,380,728, plus strand): 5'-TTTTATTTTCTGCCTATCCTTTTTCCCATGTAGAAAAATCGATGGGACAACTGAGGAAGA[A>C]GATAACATTGAGCTGAATGAAGAAGGAAGGCCGGTGCAGACGTCCAGGCCAAGCCCCCCA-3'
Protein context (NP_647480.1, residues 33-53): QRKIDGTTEE[Glu43Asp]DNIELNEEGR

ClinVar aggregate classification (germline): Uncertain significance (1 of 4 stars; one submission).

gnomAD v4.1: 25 of 1,613,968 alleles (0.0015%); highest among the groups gnomAD compares: South Asian, 0.022%; no homozygotes.

Submission:

Labcorp Genetics (formerly Invitae), Labcorp
Classification: Uncertain significance. Last evaluated: 2024-09-13. Review status: criteria provided, single submitter. Criteria: Invitae Variant Classification Sherloc (09022015). Collection method: clinical testing. Allele origin: germline.
Comment: This sequence change replaces glutamic acid, which is acidic and polar, with aspartic acid, which is acidic and polar, at codon 43 of the SLC17A8 protein (p.Glu43Asp). This variant is present in population databases (rs754033147, gnomAD 0.03%). This variant has not been reported in the literature in individuals affected with SLC17A8-related conditions. An algorithm developed to predict the effect of missense changes on protein structure and function (PolyPhen-2) suggests that this variant is likely to be tolerated. In summary, the available evidence is currently insufficient to determine the role of this variant in disease. Therefore, it has been classified as a Variant of Uncertain Significance.